The following is an entry in ClinVar:

NM_023036.6(DNAI2):c.380T>C (p.Ile127Thr)

Gene: DNAI2 (dynein axonemal intermediate chain 2; plus strand). Cytogenetic location: 17q25.1.
Variant type: single nucleotide variant.
Coding change: c.380T>C on transcript NM_023036.6 (MANE Select); coding-DNA position 380, T replaced by C.
Protein change: p.Ile127Thr; replaces isoleucine 127 with threonine.
Molecular consequence: missense variant.
Genome position (GRCh38, 1-based): chr17:74,287,011, T>C. VCF-style: chr17-74287011-T-C. GRCh37 (hg19) VCF-style: chr17-72283150-T-C.
Other names: c.380T>C (NM_023036.4); c.380T>C, p.Ile127Thr (NM_001172810.3, NM_001353167.2); short protein forms I127T.
Identifiers: ClinVar variation 1447687 (VCV001447687.9), dbSNP rs372975955, ClinGen allele CA8745347.

ClinVar aggregate classification (germline): Uncertain significance. Review status: criteria provided, multiple submitters, no conflicts (2 of 4 stars). 2 submissions from 2 submitters: Uncertain significance (2). Last evaluated 2025-06-29.

Conditions:
Primary ciliary dyskinesia. Also called: Ciliary dyskinesia. Identifiers: Orphanet 244, MedGen C0008780, MONDO:0016575, HP:0012265.

Allele frequency attached by ClinVar (database versions not stated): ExAC 0.00001; gnomAD 0.00001; gnomAD exomes 0.00002; TOPMed 0.00002; ESP Exome Variant Server 0.00008.
gnomAD v4.1: 24 of 1,613,734 alleles (0.0015%); highest among the groups gnomAD compares: Admixed American, 0.0033%; no homozygotes.

Submissions (2):

Ambry Genetics
Classification: Uncertain significance for Primary ciliary dyskinesia. Last evaluated: 2025-06-29. Review status: criteria provided, single submitter. Criteria: Ambry Variant Classification Scheme 2023. Collection method: clinical testing. Allele origin: germline.

Labcorp Genetics (formerly Invitae), Labcorp
Classification: Uncertain significance for Primary ciliary dyskinesia. Last evaluated: 2024-12-02. Review status: criteria provided, single submitter. Criteria: Invitae Variant Classification Sherloc (09022015). Collection method: clinical testing. Allele origin: germline.
Comment: This sequence change replaces isoleucine, which is neutral and non-polar, with threonine, which is neutral and polar, at codon 127 of the DNAI2 protein (p.Ile127Thr). This variant is present in population databases (rs372975955, gnomAD 0.007%). This variant has not been reported in the literature in individuals affected with DNAI2-related conditions. ClinVar contains an entry for this variant (Variation ID: 1447687). Invitae Evidence Modeling of protein sequence and biophysical properties (such as structural, functional, and spatial information, amino acid conservation, physicochemical variation, residue mobility, and thermodynamic stability) indicates that this missense variant is not expected to disrupt DNAI2 protein function with a negative predictive value of 95%. In summary, the available evidence is currently insufficient to determine the role of this variant in disease. Therefore, it has been classified as a Variant of Uncertain Significance.